The following is an entry in ClinVar:

ClinVar aggregate classification (germline): Benign. Review status: criteria provided, multiple submitters, no conflicts (2 of 4 stars). 2 submissions from 2 submitters: Benign (2). Last evaluated 2018-01-13.

Conditions:
Hereditary spastic paraplegia 6 (SPG6). Also called: SPASTIC PARAPLEGIA 6, AUTOSOMAL DOMINANT. Identifiers: Orphanet 100988, MedGen C1838192, MONDO:0010878, OMIM 600363.

Allele frequency attached by ClinVar (database versions not stated): TOPMed 0.39508; 1000 Genomes Project 30x 0.44332; 1000 Genomes Project 0.44788.

Submissions (2):

Illumina Laboratory Services, Illumina
Classification: Benign for Hereditary spastic paraplegia 6. Last evaluated: 2018-01-13. Review status: criteria provided, single submitter. Criteria: ICSL Variant Classification Criteria 13 December 2019. Collection method: clinical testing. Allele origin: germline.
Comment: This variant was observed in the ICSL laboratory as part of a predisposition screen in an ostensibly healthy population. It had not been previously curated by ICSL or reported in the Human Gene Mutation Database (HGMD: prior to June 1st, 2018), and was therefore a candidate for classification through an automated scoring system. Utilizing variant allele frequency, disease prevalence and penetrance estimates, and inheritance mode, an automated score was calculated to assess if this variant is too frequent to cause the disease. Based on the score and internal cut-off values, a variant classified as benign is not then subjected to further curation. The score for this variant resulted in a classification of benign for this disease.

Breakthrough Genomics
Classification: Benign. Review status: criteria provided, single submitter. Criteria: ACMG Guidelines, 2015. Collection method: not provided. Allele origin: germline. Inheritance: Autosomal dominant inheritance. Affected: yes.

NM_144599.5(NIPA1):c.*2515G>C

Gene: NIPA1 (NIPA magnesium transporter 1; plus strand). Cytogenetic location: 15q11.2.
Variant type: single nucleotide variant.
Coding change: c.*2515G>C on transcript NM_144599.5 (MANE Select); 2515 bases downstream of the stop codon, G replaced by C.
Molecular consequence: 3 prime UTR variant.
Genome position (GRCh38, 1-based): chr15:22,826,754, G>C. VCF-style: chr15-22826754-G-C. GRCh37 (hg19) VCF-style: chr15-23046314-C-G.
Other names: c.*2515G>C (NM_001142275.1).
Identifiers: ClinVar variation 315375 (VCV000315375.6), dbSNP rs6606820, ClinGen allele CA10641474.